The following is an entry in ClinVar:

ClinVar aggregate classification (germline): Benign/Likely benign. Review status: criteria provided, multiple submitters, no conflicts (2 of 4 stars). 2 submissions from 2 submitters: Benign (1); Likely benign (1). Last evaluated 2026-09-01.

Allele frequency attached by ClinVar (database versions not stated): 1000 Genomes Project 0.00160; ESP Exome Variant Server 0.00254; gnomAD 0.00265 and 0.00272; TOPMed 0.00277; gnomAD exomes 0.00338; ExAC 0.00383; 1000 Genomes Project 30x 0.00156.

Submissions (2):

CeGaT Center for Human Genetics Tuebingen
Classification: Likely benign. Last evaluated: 2026-09-01. Review status: criteria provided, single submitter. Criteria: CeGaT Center For Human Genetics Tuebingen Variant Classification Criteria Version 2. Collection method: clinical testing. Allele origin: germline. Affected: yes. Observed: 29 variant alleles.
Comment: SON: BS1

Labcorp Genetics (formerly Invitae), Labcorp
Classification: Benign. Last evaluated: 2026-01-19. Review status: criteria provided, single submitter. Criteria: Invitae Variant Classification Sherloc (09022015). Collection method: clinical testing. Allele origin: germline.

NM_138927.4(SON):c.2080A>G (p.Thr694Ala)

Gene: SON (SON DNA and RNA binding protein; plus strand). Cytogenetic location: 21q22.11.
Variant type: single nucleotide variant.
Coding change: c.2080A>G on transcript NM_138927.4 (MANE Select); coding-DNA position 2080, A replaced by G.
Protein change: p.Thr694Ala; replaces threonine 694 with alanine.
Molecular consequence: missense variant. On other transcripts: non-coding transcript variant (1), intron variant (1).
Genome position (GRCh38, 1-based): chr21:33,551,311, A>G. VCF-style: chr21-33551311-A-G. GRCh37 (hg19) VCF-style: chr21-34923617-A-G.
Other names: c.2080A>G, p.Thr694Ala (NM_001291411.2, NM_032195.3); c.244+4932A>G (NM_001291412.3); short protein forms T694A.
Identifiers: ClinVar variation 789544 (VCV000789544.33), dbSNP rs141608426, ClinGen allele CA10009019.